The following is an entry in ClinVar:

NM_030665.4(RAI1):c.3577C>T (p.Pro1193Ser)

Gene: RAI1 (retinoic acid induced 1; plus strand). Cytogenetic location: 17p11.2.
Variant type: single nucleotide variant.
Coding change: c.3577C>T on transcript NM_030665.4 (MANE Select); coding-DNA position 3577, C replaced by T.
Protein change: p.Pro1193Ser; replaces proline 1193 with serine.
Molecular consequence: missense variant.
Genome position (GRCh38, 1-based): chr17:17,796,525, C>T. VCF-style: chr17-17796525-C-T. GRCh37 (hg19) VCF-style: chr17-17699839-C-T.
Other names: short protein forms P1193S.
Identifiers: ClinVar variation 3687328 (VCV003687328.2).

ClinVar aggregate classification (germline): Uncertain significance (1 of 4 stars; one submission).

gnomAD v4.1: 2 of 1,611,134 alleles (0.00012%); highest among the groups gnomAD compares: African/African-American, 0.0027%; no homozygotes.

Submission:

Labcorp Genetics (formerly Invitae), Labcorp
Classification: Uncertain significance. Last evaluated: 2025-10-20. Review status: criteria provided, single submitter. Criteria: Invitae Variant Classification Sherloc (09022015). Collection method: clinical testing. Allele origin: germline.
Comment: This sequence change replaces proline, which is neutral and non-polar, with serine, which is neutral and polar, at codon 1193 of the RAI1 protein (p.Pro1193Ser). This variant is present in population databases (rs777498429, gnomAD 0.007%). This variant has not been reported in the literature in individuals affected with RAI1-related conditions. ClinVar contains an entry for this variant (Variation ID: 3687328). Invitae Evidence Modeling of protein sequence and biophysical properties (such as structural, functional, and spatial information, amino acid conservation, physicochemical variation, residue mobility, and thermodynamic stability) indicates that this missense variant is not expected to disrupt RAI1 protein function with a negative predictive value of 80%. In summary, the available evidence is currently insufficient to determine the role of this variant in disease. Therefore, it has been classified as a Variant of Uncertain Significance.